The following is an entry in ClinVar:

NM_182914.3(SYNE2):c.16304T>G (p.Leu5435Arg)

Gene: SYNE2 (spectrin repeat containing nuclear envelope protein 2; plus strand). Cytogenetic location: 14q23.2.
Variant type: single nucleotide variant.
Coding change: c.16304T>G on transcript NM_182914.3 (MANE Select); coding-DNA position 16304, T replaced by G.
Protein change: p.Leu5435Arg; replaces leucine 5435 with arginine.
Molecular consequence: missense variant.
Genome position (GRCh38, 1-based): chr14:64,163,406, T>G. VCF-style: chr14-64163406-T-G. GRCh37 (hg19) VCF-style: chr14-64630124-T-G.
Other names: c.16304T>G, p.Leu5435Arg (NM_015180.6); short protein forms L5435R.
Identifiers: ClinVar variation 313618 (VCV000313618.8), dbSNP rs750900424, ClinGen allele CA7223346.

ClinVar aggregate classification (germline): Uncertain significance (1 of 4 stars; one submission).

Conditions:
Emery-Dreifuss muscular dystrophy 5, autosomal dominant (EDMD5). Also called: EMERY-DREIFUSS MUSCULAR DYSTROPHY 5. Identifiers: Orphanet 261, MedGen C2751805, MONDO:0013072, OMIM 612999.

Allele frequency attached by ClinVar (database versions not stated): gnomAD exomes below 0.00001 and 0.00002; ExAC 0.00001.
gnomAD v4.1: 5 of 1,613,920 alleles (0.00031%); highest among the groups gnomAD compares: East Asian, 0.0089%; no homozygotes.

Submission:

Labcorp Genetics (formerly Invitae), Labcorp
Classification: Uncertain significance for Emery-Dreifuss muscular dystrophy 5, autosomal dominant. Last evaluated: 2023-06-26. Review status: criteria provided, single submitter. Criteria: Invitae Variant Classification Sherloc (09022015). Collection method: clinical testing. Allele origin: germline.
Comment: This variant has not been reported in the literature in individuals affected with SYNE2-related conditions. This sequence change replaces leucine, which is neutral and non-polar, with arginine, which is basic and polar, at codon 5435 of the SYNE2 protein (p.Leu5435Arg). This variant is present in population databases (rs750900424, gnomAD 0.02%). ClinVar contains an entry for this variant (Variation ID: 313618). An algorithm developed to predict the effect of missense changes on protein structure and function (PolyPhen-2) suggests that this variant is likely to be disruptive. In summary, the available evidence is currently insufficient to determine the role of this variant in disease. Therefore, it has been classified as a Variant of Uncertain Significance.